The following is an entry in ClinVar:

NM_018834.6(MATR3):c.-178+224G>T

Gene: MATR3 (matrin 3; plus strand). Cytogenetic location: 5q31.2.
Variant type: single nucleotide variant.
Coding change: c.-178+224G>T on transcript NM_018834.6 (MANE Select); 224 bases into the intron after 178 bases upstream of the start codon, G replaced by T.
Molecular consequence: intron variant. On other transcripts: 5 prime UTR variant (5), splice donor variant (2).
Genome position (GRCh38, 1-based): chr5:139,294,029, G>T. VCF-style: chr5-139294029-G-T. GRCh37 (hg19) VCF-style: chr5-138629718-G-T.
Other names: c.-765G>T (NM_001400457.1); c.-769G>T (NM_001400458.1); c.-1071G>T (NM_001400466.1); c.-1009G>T (NM_001400467.1); c.-178+454G>T (NM_001400451.1, NM_001400455.1, NM_001400452.1 and 3 more transcripts); c.-177-13210G>T (NM_001400450.1, NM_001400441.1, NM_001400454.1 and 5 more transcripts); c.-1146G>T (NM_001400445.1); c.51+13971G>T (NM_001400459.1); and 7 more.
Identifiers: ClinVar variation 2634680 (VCV002634680.5), dbSNP rs766117433, ClinGen allele CA3432837.

ClinVar aggregate classification (germline): Uncertain significance. Review status: criteria provided, multiple submitters, no conflicts (2 of 4 stars). 2 submissions from 2 submitters: Uncertain significance (2). Last evaluated 2026-10-06.

Conditions:
MATR3-related disorder. Also called: MATR3-related condition.

Allele frequency attached by ClinVar (database versions not stated): gnomAD 0.00009; ExAC 0.00055; gnomAD exomes 0.00008; TOPMed 0.00010.
gnomAD v4.1: 102 of 1,279,254 alleles (0.008%); highest among the groups gnomAD compares: Non-Finnish European, 0.0095%; no homozygotes.

Submissions (2):

GeneDx
Classification: Uncertain significance. Last evaluated: 2026-10-06. Review status: criteria provided, single submitter. Criteria: GeneDx Variant Classification Process June 2021. Collection method: clinical testing. Allele origin: germline.
Comment: Reported using an alternate transcript of the gene; This variant is associated with the following publications: (PMID: 29154141, 26493020, 28029397)

PreventionGenetics, part of Exact Sciences
Classification: Uncertain significance for MATR3-related condition. Last evaluated: 2026-09-21. Review status: criteria provided, single submitter. Criteria: ACMG Guidelines, 2015. Collection method: clinical testing. Allele origin: germline.
Comment: The MATR3 c.48+1G>T variant is predicted to disrupt the GT donor site and interfere with normal splicing. This variant has been reported in an individual with amyotrophic lateral sclerosis and has been shown to alter splicing (Leblond et al. 2016. PubMed ID: 26493020; SpliceAI, Jaganathan et al. 2019. PubMed ID: 30661751). However, other isoforms of this gene do not utilize this splice site. This variant is reported in 0.025% of alleles in individuals of European (non-Finnish) descent in gnomAD. Although we suspect that this variant may be benign, at this time, the clinical significance of this variant is uncertain due to the absence of conclusive functional and genetic evidence.